The following is an entry in ClinVar:

ClinVar aggregate classification (germline): Benign/Likely benign. Review status: criteria provided, multiple submitters, no conflicts (2 of 4 stars). 2 submissions from 2 submitters: Benign (1); Likely benign (1). Last evaluated 2018-01-13.

Conditions:
Seizures, benign familial neonatal, 2. Also called: CONVULSIONS, BENIGN FAMILIAL NEONATAL, 2; KCNQ3-Related Self-Limited Familial Neonatal Epilepsy (SLFNE); Benign Neonatal Epilepsy 2; KCNQ3-Related Benign Familial Neonatal Epilepsy; Seizures, benign neonatal, 2. Identifiers: Orphanet 1949, MedGen C1852581, MONDO:0007366, OMIM 121201.

Allele frequency attached by ClinVar (database versions not stated): gnomAD 0.01573 and 0.01567; 1000 Genomes Project 30x 0.00859; 1000 Genomes Project 0.00879; TOPMed 0.01026.

Submissions (2):

Illumina Laboratory Services, Illumina
Classification: Benign for Seizures, benign familial neonatal, 2. Last evaluated: 2018-01-13. Review status: criteria provided, single submitter. Criteria: ICSL Variant Classification Criteria 13 December 2019. Collection method: clinical testing. Allele origin: germline.
Comment: This variant was observed in the ICSL laboratory as part of a predisposition screen in an ostensibly healthy population. It had not been previously curated by ICSL or reported in the Human Gene Mutation Database (HGMD: prior to June 1st, 2018), and was therefore a candidate for classification through an automated scoring system. Utilizing variant allele frequency, disease prevalence and penetrance estimates, and inheritance mode, an automated score was calculated to assess if this variant is too frequent to cause the disease. Based on the score and internal cut-off values, a variant classified as benign is not then subjected to further curation. The score for this variant resulted in a classification of benign for this disease.

Breakthrough Genomics
Classification: Likely benign. Review status: criteria provided, single submitter. Criteria: ACMG Guidelines, 2015. Collection method: not provided. Allele origin: germline. Inheritance: Autosomal dominant inheritance. Affected: yes.

NM_004519.4(KCNQ3):c.*7413G>C

Gene: KCNQ3 (potassium voltage-gated channel subfamily Q member 3; minus strand). Cytogenetic location: 8q24.22.
Variant type: single nucleotide variant.
Coding change: c.*7413G>C on transcript NM_004519.4 (MANE Select); 7413 bases downstream of the stop codon, G replaced by C.
Molecular consequence: 3 prime UTR variant.
Genome position (GRCh38, 1-based): chr8:132,121,849, C>G on the plus strand (G>C on the coding strand, the complement: KCNQ3 is on the minus strand). VCF-style: chr8-132121849-C-G. GRCh37 (hg19) VCF-style: chr8-133134096-C-G.
Other names: c.*7413G>C (NM_001204824.2).
Identifiers: ClinVar variation 361753 (VCV000361753.7), dbSNP rs111267263, ClinGen allele CA10630103.